The following is an entry in ClinVar:

ClinVar aggregate classification (germline): Uncertain significance. Review status: criteria provided, multiple submitters, no conflicts (2 of 4 stars). 2 submissions from 2 submitters: Uncertain significance (2). Last evaluated 2025-05-13.

Allele frequency attached by ClinVar (database versions not stated): gnomAD exomes below 0.00001; TOPMed below 0.00001; gnomAD 0.00001.
gnomAD v4.1: 2 of 1,599,658 alleles (0.00013%); highest among the groups gnomAD compares: Admixed American, 0.0033%; no homozygotes.

Submissions (2):

Labcorp Genetics (formerly Invitae), Labcorp
Classification: Uncertain significance. Last evaluated: 2025-05-13. Review status: criteria provided, single submitter. Criteria: Invitae Variant Classification Sherloc (09022015). Collection method: clinical testing. Allele origin: germline.
Comment: This sequence change replaces tyrosine, which is neutral and polar, with cysteine, which is neutral and slightly polar, at codon 261 of the COL11A1 protein (p.Tyr261Cys). This variant is present in population databases (no rsID available, gnomAD 0.003%). This variant has not been reported in the literature in individuals affected with COL11A1-related conditions. ClinVar contains an entry for this variant (Variation ID: 1315445). An algorithm developed to predict the effect of missense changes on protein structure and function (PolyPhen-2) suggests that this variant is likely to be disruptive. In summary, the available evidence is currently insufficient to determine the role of this variant in disease. Therefore, it has been classified as a Variant of Uncertain Significance.

GeneDx
Classification: Uncertain significance. Last evaluated: 2020-02-18. Review status: criteria provided, single submitter. Criteria: GeneDx Variant Classification Process June 2021. Collection method: clinical testing. Allele origin: germline. Affected: yes.
Comment: Has not been previously published as pathogenic or benign to our knowledge; Not observed at a significant frequency in large population cohorts (Lek et al., 2016); In silico analysis supports that this missense variant does not alter protein structure/function

NM_001854.4(COL11A1):c.782A>G (p.Tyr261Cys)

Gene: COL11A1 (collagen type XI alpha 1 chain; minus strand). Cytogenetic location: 1p21.1.
Variant type: single nucleotide variant.
Coding change: c.782A>G on transcript NM_001854.4 (MANE Select); coding-DNA position 782, A replaced by G.
Protein change: p.Tyr261Cys; replaces tyrosine 261 with cysteine.
Molecular consequence: missense variant. On other transcripts: non-coding transcript variant (1), intron variant (2).
Genome position (GRCh38, 1-based): chr1:103,026,331, T>C on the plus strand (A>G on the coding strand, the complement: COL11A1 is on the minus strand). VCF-style: chr1-103026331-T-C. GRCh37 (hg19) VCF-style: chr1-103491887-T-C.
Other names: c.782A>G, p.Tyr261Cys (NM_080630.4); c.781-718A>G (NM_001190709.2); c.781-379A>G (NM_080629.3); short protein forms Y261C.
Identifiers: ClinVar variation 1315445 (VCV001315445.7), dbSNP rs1204523782, ClinGen allele CA341157594.
Genomic context (GRCh38, chr1:103,026,331, plus strand): 5'-GCCTCTTTATACTCTGCTTCCCCATACTCATAGTCATATTCGATTATATCCTCTGGTGCA[T>C]ACTACATTGCAAAGGAAAAAATATCAGGCAATTGTGTTAGTGGCAAAATACTATTCACAA-3'
Protein context (NP_001845.3, residues 251-271): AQAQEPQIDE[Tyr261Cys]APEDIIEYDY